The following is an entry in ClinVar:

ClinVar aggregate classification (germline): Likely pathogenic (1 of 4 stars; one submission).

Conditions:
Renal carnitine transport defect (CDSP). Also called: CARNITINE DEFICIENCY, SYSTEMIC, DUE TO DEFECT IN RENAL REABSORPTION OF CARNITINE; CARNITINE TRANSPORTER, PLASMA-MEMBRANE, DEFICIENCY OF; CARNITINE UPTAKE DEFECT; Primary carnitine deficiency; Systemic primary carnitine deficiency; Carnitine transporter deficiency. Identifiers: Orphanet 158, MedGen C0342788, MONDO:0008919, OMIM 212140.

Submission:

Labcorp Genetics (formerly Invitae), Labcorp
Classification: Likely pathogenic for Renal carnitine transport defect. Last evaluated: 2024-03-16. Review status: criteria provided, single submitter. Criteria: Invitae Variant Classification Sherloc (09022015). Collection method: clinical testing. Allele origin: germline.
Comment: This sequence change replaces asparagine, which is neutral and polar, with threonine, which is neutral and polar, at codon 91 of the SLC22A5 protein (p.Asn91Thr). This variant is not present in population databases (gnomAD no frequency). This variant has not been reported in the literature in individuals affected with SLC22A5-related conditions. Advanced modeling of protein sequence and biophysical properties (such as structural, functional, and spatial information, amino acid conservation, physicochemical variation, residue mobility, and thermodynamic stability) performed at Invitae indicates that this missense variant is expected to disrupt SLC22A5 protein function with a positive predictive value of 95%. This variant disrupts the p.Asn91 amino acid residue in SLC22A5. Other variant(s) that disrupt this residue have been determined to be pathogenic (Invitae). This suggests that this residue is clinically significant, and that variants that disrupt this residue are likely to be disease-causing. In summary, the currently available evidence indicates that the variant is pathogenic, but additional data are needed to prove that conclusively. Therefore, this variant has been classified as Likely Pathogenic.

NM_003060.4(SLC22A5):c.272A>C (p.Asn91Thr)

Gene: SLC22A5 (solute carrier family 22 member 5; plus strand). Cytogenetic location: 5q31.1.
Variant type: single nucleotide variant.
Coding change: c.272A>C on transcript NM_003060.4 (MANE Select); coding-DNA position 272, A replaced by C.
Protein change: p.Asn91Thr; replaces asparagine 91 with threonine.
Molecular consequence: missense variant.
Genome position (GRCh38, 1-based): chr5:132,370,244, A>C. VCF-style: chr5-132370244-A-C. GRCh37 (hg19) VCF-style: chr5-131705936-A-C.
Other names: c.272A>C, p.Asn91Thr (NM_001308122.2); short protein forms N91T.
Identifiers: ClinVar variation 2913829 (VCV002913829.3), dbSNP rs546442503, ClinGen allele CA360802711.
Genomic context (GRCh38, chr5:132,370,244, plus strand): 5'-TGCGGGACGGCCGCGAGGTGCCCCACAGCTGCCGCCGCTACCGGCTCGCCACCATCGCCA[A>C]CTTCTCGGCGCTTGGGCTGGAGCCGGGGCGCGACGTGGACCTGGGGCAGCTGGAGCAGGA-3'
Protein context (NP_003051.1, residues 81-101): CRRYRLATIA[Asn91Thr]FSALGLEPGR